The following is an entry in ClinVar:

ClinVar aggregate classification (germline): Uncertain significance (1 of 4 stars; one submission).

Conditions:
Hoyeraal-Hreidarsson syndrome (HHS). Also called: CEREBELLAR HYPOPLASIA WITH PANCYTOPENIA. Identifiers: Orphanet 3322, MedGen C1846142, MONDO:0018045.
Autosomal recessive dyskeratosis congenita. Identifiers: MedGen C3502105.

Allele frequency attached by ClinVar (database versions not stated): ExAC 0.00001; gnomAD exomes 0.00001; gnomAD 0.00002 and 0.00003; TOPMed 0.00002; 1000 Genomes Project 30x 0.00031; 1000 Genomes Project 0.00040.
gnomAD v4.1: 21 of 1,600,366 alleles (0.0013%); highest among the groups gnomAD compares: African/African-American, 0.0027%; no homozygotes.

Submission:

Labcorp Genetics (formerly Invitae), Labcorp
Classification: Uncertain significance for Hoyeraal-Hreidarsson syndrome; Autosomal recessive dyskeratosis congenita. Last evaluated: 2020-02-04. Review status: criteria provided, single submitter. Criteria: Invitae Variant Classification Sherloc (09022015). Collection method: clinical testing. Allele origin: germline.
Comment: In summary, the available evidence is currently insufficient to determine the role of this variant in disease. Therefore, it has been classified as a Variant of Uncertain Significance. Algorithms developed to predict the effect of missense changes on protein structure and function output the following: SIFT: "Tolerated"; PolyPhen-2: "Benign"; Align-GVGD: "Class C0". The leucine amino acid residue is found in multiple mammalian species, suggesting that this missense change does not adversely affect protein function. These predictions have not been confirmed by published functional studies and their clinical significance is uncertain. This variant has not been reported in the literature in individuals with DCLRE1B-related conditions. This variant is present in population databases (rs527254164, ExAC 0.01%). This sequence change replaces proline with leucine at codon 347 of the DCLRE1B protein (p.Pro347Leu). The proline residue is moderately conserved and there is a moderate physicochemical difference between proline and leucine.

NM_022836.4(DCLRE1B):c.1040C>T (p.Pro347Leu)

Gene: DCLRE1B (DNA cross-link repair 1B; plus strand). Cytogenetic location: 1p13.2.
Variant type: single nucleotide variant.
Coding change: c.1040C>T on transcript NM_022836.4 (MANE Select); coding-DNA position 1040, C replaced by T.
Protein change: p.Pro347Leu; replaces proline 347 with leucine.
Molecular consequence: missense variant.
Genome position (GRCh38, 1-based): chr1:113,911,632, C>T. VCF-style: chr1-113911632-C-T. GRCh37 (hg19) VCF-style: chr1-114454254-C-T.
Other names: c.662C>T, p.Pro221Leu (NM_001319947.2, NM_001363691.2, NM_001319946.2); c.1040C>T, p.Pro347Leu (NM_001363690.2); short protein forms P221L, P347L.
Identifiers: ClinVar variation 1017685 (VCV001017685.9), dbSNP rs527254164, ClinGen allele CA1016519.